The following is an entry in ClinVar:

ClinVar aggregate classification (germline): Likely pathogenic. Review status: no assertion criteria provided (0 of 4 stars). 2 submissions from 2 submitters: Likely pathogenic (2).

Conditions:
Cohen syndrome (COH1). Also called: PEPPER SYNDROME; Cutis verticis gyrata, retinitis pigmentosa, and sensorineural deafness. Identifiers: Orphanet 193, MedGen C0265223, MONDO:0008999, OMIM 216550.

Submissions (2):

Juha Muilu Group; Institute for Molecular Medicine Finland (FIMM)
Classification: Likely pathogenic for Cohen syndrome. Review status: no assertion criteria provided. Collection method: not provided. Allele origin: unknown.
Comment: FinDis database variant: This variant was not found or characterized by our laboratory, data were collected from public sources: see reference
ClinVar note: Converted during submission from probable-pathogenic to Likely pathogenic.

Service de Génétique Moléculaire, Hôpital Robert Debré
Classification: Likely pathogenic for Cohen syndrome. Review status: no assertion criteria provided. Collection method: clinical testing. Allele origin: unknown. Affected: yes.

NM_152564.5(VPS13B):c.5256dup (p.Asp1753Ter)

Gene: VPS13B (vacuolar protein sorting 13 homolog B; plus strand). Cytogenetic location: 8q22.2.
Variant type: Duplication.
Coding change: c.5256dup on transcript NM_152564.5 (MANE Select); coding-DNA position 5256, one base duplicated (T; older notation c.5256dupT).
Protein change: p.Asp1753Ter; replaces aspartic acid 1753 with a stop codon.
Molecular consequence: nonsense.
Genome position (GRCh38, 1-based): chr8:99,641,846, T duplicated; the last of 3 consecutive T bases (chr8:99,641,844-99,641,846); duplicating any one gives the same sequence. VCF-style (leftmost placement, unchanged base first): chr8-99641843-A-AT. GRCh37 (hg19) VCF-style: chr8-100654071-A-AT.
Other names: c.5331dup, p.Asp1778Ter (NM_017890.5); c.5331dupT (NM_017890.4); short protein forms D1753*, D1778*.
Identifiers: ClinVar variation 56672 (VCV000056672.3), dbSNP rs386834094, ClinGen allele CA264098.